The following is an entry in ClinVar:

NM_003738.5(PTCH2):c.2884C>T (p.Arg962Cys)

Gene: PTCH2 (patched 2; minus strand). Cytogenetic location: 1p34.1.
Variant type: single nucleotide variant.
Coding change: c.2884C>T on transcript NM_003738.5 (MANE Select); coding-DNA position 2884, C replaced by T.
Protein change: p.Arg962Cys; replaces arginine 962 with cysteine.
Molecular consequence: missense variant.
Genome position (GRCh38, 1-based): chr1:44,826,580, G>A on the plus strand (C>T on the coding strand, the complement: PTCH2 is on the minus strand). VCF-style: chr1-44826580-G-A. GRCh37 (hg19) VCF-style: chr1-45292252-G-A.
Other names: c.2884C>T, p.Arg962Cys (NM_001166292.2); c.2884C>T (NM_003738.4); short protein forms R962C.
Identifiers: ClinVar variation 1059718 (VCV001059718.11), dbSNP rs746328425, ClinGen allele CA822866.

ClinVar aggregate classification (germline): Uncertain significance. Review status: criteria provided, multiple submitters, no conflicts (2 of 4 stars). 3 submissions from 3 submitters: Uncertain significance (3). Last evaluated 2025-11-02.

Conditions:
PTCH2-related disorder. Also called: PTCH2-related condition; PTCH2-related disease.
Gorlin syndrome. Also called: Basal cell nevus syndrome; Nevoid Basal Cell Carcinoma Syndrome. Identifiers: Orphanet 377, MedGen C0004779, MONDO:0007187.

Allele frequency attached by ClinVar (database versions not stated): gnomAD 0.00003 and 0.00004; gnomAD exomes 0.00003 and 0.00007; TOPMed 0.00003; ExAC 0.00005.

Submissions (3):

Ambry Genetics
Classification: Uncertain significance. Last evaluated: 2025-11-02. Review status: criteria provided, single submitter. Criteria: Ambry Variant Classification Scheme 2023. Collection method: clinical testing. Allele origin: germline.

Labcorp Genetics (formerly Invitae), Labcorp
Classification: Uncertain significance for Gorlin syndrome. Last evaluated: 2024-05-08. Review status: criteria provided, single submitter. Criteria: Invitae Variant Classification Sherloc (09022015). Collection method: clinical testing. Allele origin: germline.
Comment: This sequence change replaces arginine, which is basic and polar, with cysteine, which is neutral and slightly polar, at codon 962 of the PTCH2 protein (p.Arg962Cys). This variant is present in population databases (rs746328425, gnomAD 0.007%). This variant has not been reported in the literature in individuals affected with PTCH2-related conditions. ClinVar contains an entry for this variant (Variation ID: 1059718). Advanced modeling of protein sequence and biophysical properties (such as structural, functional, and spatial information, amino acid conservation, physicochemical variation, residue mobility, and thermodynamic stability) performed at Invitae indicates that this missense variant is not expected to disrupt PTCH2 protein function with a negative predictive value of 80%. In summary, the available evidence is currently insufficient to determine the role of this variant in disease. Therefore, it has been classified as a Variant of Uncertain Significance.

PreventionGenetics, part of Exact Sciences
Classification: Uncertain significance for PTCH2-related condition. Last evaluated: 2023-02-09. Review status: criteria provided, single submitter. Criteria: ACMG Guidelines, 2015. Collection method: clinical testing. Allele origin: germline.
Comment: The PTCH2 c.2884C>T variant is predicted to result in the amino acid substitution p.Arg962Cys. To our knowledge, this variant has not been reported in the literature. This variant is reported in 0.0071% of alleles in individuals of European (Non-Finnish) descent in gnomAD. At this time, the clinical significance of this variant is uncertain due to the absence of conclusive functional and genetic evidence.